The following is an entry in ClinVar:

ClinVar aggregate classification (germline): Uncertain significance (1 of 4 stars; one submission).

Conditions:
Dyskeratosis congenita. Identifiers: Orphanet 1775, MedGen C0265965, MONDO:0015780.

Submission:

Ambry Genetics
Classification: Uncertain significance for Dyskeratosis congenita. Last evaluated: 2023-04-28. Review status: criteria provided, single submitter. Criteria: Ambry Variant Classification Scheme 2023. Collection method: clinical testing. Allele origin: germline.
Comment: The p.Q432P variant (also known as c.1295A>C), located in coding exon 2 of the TERT gene, results from an A to C substitution at nucleotide position 1295. The glutamine at codon 432 is replaced by proline, an amino acid with similar properties. This amino acid position is conserved. In addition, this alteration is predicted to be tolerated by in silico analysis. Since supporting evidence is limited at this time, the clinical significance of this alteration remains unclear.

NM_198253.3(TERT):c.1295A>C (p.Gln432Pro)

Gene: TERT (telomerase reverse transcriptase; minus strand). Cytogenetic location: 5p15.33.
Variant type: single nucleotide variant.
Coding change: c.1295A>C on transcript NM_198253.3 (MANE Select); coding-DNA position 1295, A replaced by C.
Protein change: p.Gln432Pro; replaces glutamine 432 with proline.
Molecular consequence: missense variant. On other transcripts: non-coding transcript variant (2).
Genome position (GRCh38, 1-based): chr5:1,293,591, T>G on the plus strand (A>C on the coding strand, the complement: TERT is on the minus strand). VCF-style: chr5-1293591-T-G. GRCh37 (hg19) VCF-style: chr5-1293706-T-G.
Other names: c.1295A>C, p.Gln432Pro (NM_001193376.3, NM_003219.1); short protein forms Q432P.
Identifiers: ClinVar variation 3238501 (VCV003238501.1), dbSNP rs2478411944.